The following is an entry in ClinVar:

ClinVar aggregate classification (germline): Uncertain significance. Review status: criteria provided, multiple submitters, no conflicts (2 of 4 stars). 3 submissions from 3 submitters: Uncertain significance (3). Last evaluated 2025-06-18.

Conditions:
Hereditary cancer-predisposing syndrome. Also called: Hereditary Cancer Syndrome; Hereditary neoplastic syndrome; Tumor predisposition; Neoplastic Syndromes, Hereditary. Identifiers: Orphanet 140162, MedGen C0027672, MeSH D009386, MONDO:0015356.
Cardiovascular phenotype. Identifiers: MedGen CN230736.

Allele frequency attached by ClinVar (database versions not stated): ExAC 0.00002.
gnomAD v4.1: 5 of 1,612,462 alleles (0.00031%); highest among the groups gnomAD compares: Non-Finnish European, 0.00042%; no homozygotes.

Submissions (3):

GeneDx
Classification: Uncertain significance. Last evaluated: 2025-06-18. Review status: criteria provided, single submitter. Criteria: GeneDx Variant Classification Process June 2021. Collection method: clinical testing. Allele origin: germline. Affected: yes.
Comment: Not observed at significant frequency in large population cohorts (gnomAD); In silico analysis supports that this missense variant has a deleterious effect on protein structure/function; Has not been previously published as pathogenic or benign to our knowledge; This variant is associated with the following publications: (PMID: 36307859)

Labcorp Genetics (formerly Invitae), Labcorp
Classification: Uncertain significance. Last evaluated: 2024-11-27. Review status: criteria provided, single submitter. Criteria: Invitae Variant Classification Sherloc (09022015). Collection method: clinical testing. Allele origin: germline.
Comment: This sequence change replaces glycine, which is neutral and non-polar, with aspartic acid, which is acidic and polar, at codon 450 of the LZTR1 protein (p.Gly450Asp). This variant is present in population databases (rs756486259, gnomAD 0.002%). This missense change has been observed in individual(s) with LZTR1-related conditions (PMID: 36307859). ClinVar contains an entry for this variant (Variation ID: 2907156). Invitae Evidence Modeling of protein sequence and biophysical properties (such as structural, functional, and spatial information, amino acid conservation, physicochemical variation, residue mobility, and thermodynamic stability) indicates that this missense variant is not expected to disrupt LZTR1 protein function with a negative predictive value of 80%. In summary, the available evidence is currently insufficient to determine the role of this variant in disease. Therefore, it has been classified as a Variant of Uncertain Significance.

Ambry Genetics
Classification: Uncertain significance for Cardiovascular phenotype; Hereditary cancer-predisposing syndrome. Last evaluated: 2023-03-25. Review status: criteria provided, single submitter. Criteria: Ambry Variant Classification Scheme 2023. Collection method: clinical testing. Allele origin: germline.
Comment: The p.G450D variant (also known as c.1349G>A), located in coding exon 12 of the LZTR1 gene, results from a G to A substitution at nucleotide position 1349. The glycine at codon 450 is replaced by aspartic acid, an amino acid with similar properties. This amino acid position is conserved. In addition, the in silico prediction for this alteration is inconclusive. Since supporting evidence is limited at this time, the clinical significance of this alteration remains unclear.

Literature cited by the submitters: PubMed 36307859 (cited by Labcorp Genetics (formerly Invitae), Labcorp).

NM_006767.4(LZTR1):c.1349G>A (p.Gly450Asp)

Gene: LZTR1 (leucine zipper like post translational regulator 1; plus strand). Cytogenetic location: 22q11.21.
Variant type: single nucleotide variant.
Coding change: c.1349G>A on transcript NM_006767.4 (MANE Select); coding-DNA position 1349, G replaced by A.
Protein change: p.Gly450Asp; replaces glycine 450 with aspartic acid.
Molecular consequence: missense variant.
Genome position (GRCh38, 1-based): chr22:20,993,750, G>A. VCF-style: chr22-20993750-G-A. GRCh37 (hg19) VCF-style: chr22-21348039-G-A.
Other names: c.1349G>A (NM_006767.3); short protein forms G450D.
Identifiers: ClinVar variation 2907156 (VCV002907156.5), dbSNP rs756486259, ClinGen allele CA10118822.